The following is an entry in ClinVar:

ClinVar aggregate classification (germline): Uncertain significance (1 of 4 stars; one submission).

Conditions:
Cardiovascular phenotype. Identifiers: MedGen CN230736.

Allele frequency attached by ClinVar (database versions not stated): TOPMed 0.00002 and 0.00003.

Submission:

Ambry Genetics
Classification: Uncertain significance for Cardiovascular phenotype. Last evaluated: 2026-03-01. Review status: criteria provided, single submitter. Criteria: Ambry Variant Classification Scheme 2023. Collection method: clinical testing. Allele origin: germline.
Comment: The p.Y1928C variant (also known as c.5783A>G), located in coding exon 26 of the APOB gene, results from an A to G substitution at nucleotide position 5783. The tyrosine at codon 1928 is replaced by cysteine, an amino acid with highly dissimilar properties. This amino acid position is conserved. In addition, this alteration is predicted to be tolerated by in silico analysis. Based on the available evidence, the clinical significance of this variant remains unclear.

NM_000384.3(APOB):c.5783A>G (p.Tyr1928Cys)

Gene: APOB (apolipoprotein B; minus strand). Cytogenetic location: 2p24.1.
Variant type: single nucleotide variant.
Coding change: c.5783A>G on transcript NM_000384.3 (MANE Select); coding-DNA position 5783, A replaced by G.
Protein change: p.Tyr1928Cys; replaces tyrosine 1928 with cysteine.
Molecular consequence: missense variant.
Genome position (GRCh38, 1-based): chr2:21,011,085, T>C on the plus strand (A>G on the coding strand, the complement: APOB is on the minus strand). VCF-style: chr2-21011085-T-C. GRCh37 (hg19) VCF-style: chr2-21233957-T-C.
Other names: short protein forms Y1928C.
Identifiers: ClinVar variation 4826822 (VCV004826822.1), dbSNP rs1208280826.